The following is an entry in ClinVar:

NM_001035.3(RYR2):c.13120G>A (p.Asp4374Asn)

Genes: RYR2 (ryanodine receptor 2; plus strand), LOC126806068 (BRD4-independent group 4 enhancer GRCh37_chr1:237947411-237948610; plus strand). Cytogenetic location: 1q43.
Variant type: single nucleotide variant.
Coding change: c.13120G>A on transcript NM_001035.3 (MANE Select); coding-DNA position 13120, G replaced by A.
Protein change: p.Asp4374Asn; replaces aspartic acid 4374 with asparagine.
Molecular consequence: missense variant.
Genome position (GRCh38, 1-based): chr1:237,784,832, G>A. VCF-style: chr1-237784832-G-A. GRCh37 (hg19) VCF-style: chr1-237948132-G-A.
Other names: short protein forms D4374N.
Identifiers: ClinVar variation 2905327 (VCV002905327.5), dbSNP rs1695417232, ClinGen allele CA345415366.

ClinVar aggregate classification (germline): Uncertain significance. Review status: criteria provided, multiple submitters, no conflicts (2 of 4 stars). 2 submissions from 2 submitters: Uncertain significance (2). Last evaluated 2025-11-21.

Conditions:
Catecholaminergic polymorphic ventricular tachycardia 1. Also called: VENTRICULAR TACHYCARDIA, STRESS-INDUCED POLYMORPHIC 1; VENTRICULAR TACHYCARDIA, CATECHOLAMINERGIC POLYMORPHIC, 1, WITH OR WITHOUT ATRIAL DYSFUNCTION AND/OR DILATED CARDIOMYOPATHY; RYR2-Related Catecholaminergic Polymorphic Ventricular Tachycardia. Identifiers: Orphanet 3286, MedGen C1631597, MONDO:0011484, OMIM 604772.

Allele frequency attached by ClinVar (database versions not stated): gnomAD exomes below 0.00001; TOPMed below 0.00001.
gnomAD v4.1: 2 of 1,613,778 alleles (0.00012%); highest among the groups gnomAD compares: Non-Finnish European, 0.00017%; no homozygotes.

Submissions (2):

Labcorp Genetics (formerly Invitae), Labcorp
Classification: Uncertain significance for Catecholaminergic polymorphic ventricular tachycardia 1. Last evaluated: 2025-11-21. Review status: criteria provided, single submitter. Criteria: Invitae Variant Classification Sherloc (09022015). Collection method: clinical testing. Allele origin: germline.
Comment: This sequence change replaces aspartic acid, which is acidic and polar, with asparagine, which is neutral and polar, at codon 4374 of the RYR2 protein (p.Asp4374Asn). This variant is not present in population databases (gnomAD no frequency). This variant has not been reported in the literature in individuals affected with RYR2-related conditions. ClinVar contains an entry for this variant (Variation ID: 2905327). Invitae Evidence Modeling of protein sequence and biophysical properties (such as structural, functional, and spatial information, amino acid conservation, physicochemical variation, residue mobility, and thermodynamic stability) indicates that this missense variant is not expected to disrupt RYR2 protein function with a negative predictive value of 95%. In summary, the available evidence is currently insufficient to determine the role of this variant in disease. Therefore, it has been classified as a Variant of Uncertain Significance.

Institute of Human Genetics, University of Leipzig Medical Center
Classification: Uncertain significance for Catecholaminergic polymorphic ventricular tachycardia 1. Last evaluated: 2025-03-04. Review status: criteria provided, single submitter. Criteria: ACMG Guidelines, 2015. Collection method: clinical testing. Allele origin: unknown. Affected: yes.
Comment: Criteria applied: PM2,PM1_SUP,PP2